The following is an entry in ClinVar:

ClinVar aggregate classification (germline): Uncertain significance. Review status: criteria provided, multiple submitters, no conflicts (2 of 4 stars). 2 submissions from 2 submitters: Uncertain significance (2). Last evaluated 2025-03-13.

Conditions:
SLC12A1-related disorder. Also called: SLC12A1-related condition.
Bartter disease type 1. Also called: HYPERPROSTAGLANDIN E SYNDROME 1; HYPOKALEMIC ALKALOSIS WITH HYPERCALCIURIA 1, ANTENATAL; Bartter Syndrome type 1; Bartter syndrome, type 1, antenatal. Identifiers: Orphanet 112, Orphanet 620217, MedGen C1866495, MONDO:0100344, OMIM 601678, MONDO:0011127.

gnomAD v4.1: 62 of 1,613,724 alleles (0.0038%); highest among the groups gnomAD compares: Non-Finnish European, 0.0051%; no homozygotes.

Submissions (2):

PreventionGenetics, part of Exact Sciences
Classification: Uncertain significance for SLC12A1-related condition. Last evaluated: 2025-03-13. Review status: criteria provided, single submitter. Criteria: ACMG Guidelines, 2015. Collection method: clinical testing. Allele origin: germline.
Comment: The SLC12A1 c.2573G>A variant is predicted to result in the amino acid substitution p.Arg858Gln. To our knowledge, this variant has not been reported in the literature. This variant is reported in 0.0035% of alleles in individuals of European (non-Finnish) descent in gnomAD. At this time, the clinical significance of this variant is uncertain due to the absence of conclusive functional and genetic evidence.

Fulgent Genetics
Classification: Uncertain significance for Bartter disease type 1. Last evaluated: 2024-03-21. Review status: criteria provided, single submitter. Criteria: ACMG Guidelines, 2015. Collection method: clinical testing. Allele origin: germline.

NM_000338.3(SLC12A1):c.2573G>A (p.Arg858Gln)

Gene: SLC12A1 (solute carrier family 12 member 1; plus strand). Cytogenetic location: 15q21.1.
Variant type: single nucleotide variant.
Coding change: c.2573G>A on transcript NM_000338.3 (MANE Select); coding-DNA position 2573, G replaced by A.
Protein change: p.Arg858Gln; replaces arginine 858 with glutamine.
Molecular consequence: missense variant.
Genome position (GRCh38, 1-based): chr15:48,285,193, G>A. VCF-style: chr15-48285193-G-A. GRCh37 (hg19) VCF-style: chr15-48577390-G-A.
Other names: c.2573G>A (NM_000338.2); c.2573G>A, p.Arg858Gln (NM_001184832.2, NM_001384136.1); short protein forms R858Q.
Identifiers: ClinVar variation 3577318 (VCV003577318.2).